The following is an entry in ClinVar:

NC_000002.12:g.227263780del

Genes: COL4A3 (collagen type IV alpha 3 chain; plus strand), MFF-DT (MFF divergent transcript; minus strand). Cytogenetic location: 2q36.3.
Variant type: Deletion.
Genome position: GRCh38 VCF-style: chr2-227263778-AG-A. GRCh37 (hg19) VCF-style: chr2-228128494-AG-A.
Identifiers: ClinVar variation 3621151 (VCV003621151.2).

ClinVar aggregate classification (germline): Pathogenic (1 of 4 stars; one submission).

Submission:

Labcorp Genetics (formerly Invitae), Labcorp
Classification: Pathogenic. Last evaluated: 2024-06-04. Review status: criteria provided, single submitter. Criteria: Invitae Variant Classification Sherloc (09022015). Collection method: clinical testing. Allele origin: germline.
Comment: This sequence change creates a premature translational stop signal (p.Gly384Aspfs*16) in the COL4A3 gene. It is expected to result in an absent or disrupted protein product. Loss-of-function variants in COL4A3 are known to be pathogenic (PMID: 8956999, 24854265, 26809805, 27281700). This variant is present in population databases (no rsID available, gnomAD 0.0009%). This variant has not been reported in the literature in individuals affected with COL4A3-related conditions. Algorithms developed to predict the effect of sequence changes on RNA splicing suggest that this variant may disrupt the consensus splice site. For these reasons, this variant has been classified as Pathogenic.

Literature cited by the submitters: PubMed 8956999; PubMed 24854265; PubMed 26809805; PubMed 27281700.